The following is an entry in ClinVar:

ClinVar aggregate classification (germline): Uncertain significance (1 of 4 stars; one submission).

Submission:

Ambry Genetics
Classification: Uncertain significance. Last evaluated: 2023-02-05. Review status: criteria provided, single submitter. Criteria: Ambry Variant Classification Scheme 2023. Collection method: clinical testing. Allele origin: germline.
Comment: The p.V587A variant (also known as c.1760T>C), located in coding exon 9 of the PALLD gene, results from a T to C substitution at nucleotide position 1760. The valine at codon 587 is replaced by alanine, an amino acid with similar properties. This amino acid position is conserved. In addition, this alteration is predicted to be tolerated by in silico analysis. Since supporting evidence is limited at this time, the clinical significance of this alteration remains unclear.

NM_001166108.2(PALLD):c.1760T>C (p.Val587Ala)

Gene: PALLD (palladin, cytoskeletal associated protein; plus strand). Cytogenetic location: 4q32.3.
Variant type: single nucleotide variant.
Coding change: c.1760T>C on transcript NM_001166108.2 (MANE Select); coding-DNA position 1760, T replaced by C.
Protein change: p.Val587Ala; replaces valine 587 with alanine.
Molecular consequence: missense variant.
Genome position (GRCh38, 1-based): chr4:168,711,719, T>C. VCF-style: chr4-168711719-T-C. GRCh37 (hg19) VCF-style: chr4-169632870-T-C.
Other names: c.614T>C, p.Val205Ala (NM_001166109.2); c.1760T>C, p.Val587Ala (NM_016081.4); short protein forms V205A, V587A.
Identifiers: ClinVar variation 2496992 (VCV002496992.2), dbSNP rs2531855783, ClinGen allele CA358798157.